The following is an entry in ClinVar:

ClinVar aggregate classification (germline): Uncertain significance (1 of 4 stars; one submission).

Submission:

GeneDx
Classification: Uncertain significance. Last evaluated: 2024-12-10. Review status: criteria provided, single submitter. Criteria: GeneDx Variant Classification Process June 2021. Collection method: clinical testing. Allele origin: germline. Affected: yes.
Comment: Not observed at significant frequency in large population cohorts (gnomAD); In silico analysis supports that this missense variant has a deleterious effect on protein structure/function; Has not been previously published as pathogenic or benign to our knowledge

NM_006363.6(SEC23B):c.50T>C (p.Val17Ala)

Gene: SEC23B (SEC23 homolog B, COPII coat complex component; plus strand). Cytogenetic location: 20p11.23.
Variant type: single nucleotide variant.
Coding change: c.50T>C on transcript NM_006363.6 (MANE Select); coding-DNA position 50, T replaced by C.
Protein change: p.Val17Ala; replaces valine 17 with alanine.
Molecular consequence: missense variant.
Genome position (GRCh38, 1-based): chr20:18,510,885, T>C. VCF-style: chr20-18510885-T-C. GRCh37 (hg19) VCF-style: chr20-18491529-T-C.
Other names: c.50T>C, p.Val17Ala (NM_001172745.3, NM_001172746.3, NM_032985.6 and 1 more transcripts); short protein forms V17A.
Identifiers: ClinVar variation 3903388 (VCV003903388.1).
Genomic context (GRCh38, chr20:18,510,885, plus strand): 5'-CCTTTTAGACTATGGCGACATACCTGGAGTTCATCCAGCAGAATGAAGAACGGGATGGTG[T>C]GCGTTTTAGTTGGAACGTGTGGCCTTCCAGCCGGCTGGAGGCTACAAGAATGGTTGTACC-3'
Protein context (NP_006354.2, residues 7-27): FIQQNEERDG[Val17Ala]RFSWNVWPSS